The following is an entry in ClinVar:

ClinVar aggregate classification (germline): Uncertain significance. Review status: criteria provided, single submitter (1 of 4 stars). 2 submissions from 2 submitters: Uncertain significance (1). 1 of the submissions does not count toward it. Last evaluated 2021-07-26.

Conditions:
Hypertrophic cardiomyopathy. Also called: HYPERTROPHIC MYOCARDIOPATHY. Identifiers: Orphanet 217569, MedGen C0007194, MeSH D002312, MONDO:0005045, HP:0001639.

Submissions (2):

Labcorp Genetics (formerly Invitae), Labcorp
Classification: Uncertain significance for Hypertrophic cardiomyopathy. Last evaluated: 2021-07-26. Review status: criteria provided, single submitter. Criteria: Invitae Variant Classification Sherloc (09022015). Collection method: clinical testing. Allele origin: germline.
Comment: This sequence change replaces lysine with glutamic acid at codon 37 of the TPM1 protein (p.Lys37Glu). The lysine residue is weakly conserved and there is a small physicochemical difference between lysine and glutamic acid. This variant is not present in population databases (ExAC no frequency). This variant has been observed in individual(s) with left ventricular noncompaction cardiomyopathy (PMID: 20965760). It has also been observed to segregate with disease in related individuals. ClinVar contains an entry for this variant (Variation ID: 31897). Algorithms developed to predict the effect of missense changes on protein structure and function (SIFT, PolyPhen-2, Align-GVGD) all suggest that this variant is likely to be tolerated, but these predictions have not been confirmed by published functional studies and their clinical significance is uncertain. In summary, the available evidence is currently insufficient to determine the role of this variant in disease. Therefore, it has been classified as a Variant of Uncertain Significance.

Leiden Muscular Dystrophy (TPM1)
No classification provided. Last evaluated: 2012-04-15. Review status: no classification provided. Collection method: curation. Allele origin: germline. Not counted in ClinVar's aggregate classification.

Literature cited by the submitters: PubMed 20965760 (cited by Labcorp Genetics (formerly Invitae), Labcorp).

NM_001018005.2(TPM1):c.109A>G (p.Lys37Glu)

Gene: TPM1 (tropomyosin 1; plus strand). Cytogenetic location: 15q22.2.
Variant type: single nucleotide variant.
Coding change: c.109A>G on transcript NM_001018005.2 (MANE Select); coding-DNA position 109, A replaced by G.
Protein change: p.Lys37Glu; replaces lysine 37 with glutamic acid.
Molecular consequence: missense variant.
Genome position (GRCh38, 1-based): chr15:63,042,938, A>G. VCF-style: chr15-63042938-A-G. GRCh37 (hg19) VCF-style: chr15-63335137-A-G.
Other names: c.109A>G, p.Lys37Glu (NM_000366.6, NM_001018004.2, NM_001018006.2 and 7 more transcripts); short protein forms K37E.
Identifiers: ClinVar variation 31897 (VCV000031897.10), dbSNP rs199476303, ClinGen allele CA018576.